The following is an entry in ClinVar:

ClinVar aggregate classification (germline): Likely pathogenic. Review status: criteria provided, multiple submitters, no conflicts (2 of 4 stars). 3 submissions from 3 submitters: Likely pathogenic (2). 1 of the submissions does not count toward it. Last evaluated 2025-06-18.

Conditions:
Renal carnitine transport defect (CDSP). Also called: Primary carnitine deficiency; Systemic primary carnitine deficiency; Systemic primary carnitine deficiency disease; CARNITINE DEFICIENCY, SYSTEMIC, DUE TO DEFECT IN RENAL REABSORPTION OF CARNITINE; CARNITINE TRANSPORTER, PLASMA-MEMBRANE, DEFICIENCY OF; CARNITINE UPTAKE DEFECT. Identifiers: Orphanet 158, MedGen C0342788, MONDO:0008919, OMIM 212140.

Allele frequency attached by ClinVar (database versions not stated): gnomAD exomes below 0.00001; TOPMed below 0.00001; ExAC 0.00001; gnomAD 0.00001.
gnomAD v4.1: 1 of 1,614,060 alleles (0.000062%); highest among the groups gnomAD compares: African/African-American, 0.0013%; no homozygotes.

Submissions (3):

Myriad Genetics, Inc.
Classification: Likely pathogenic for Renal carnitine transport defect. Last evaluated: 2025-06-18. Review status: criteria provided, single submitter. Criteria: Myriad Autosomal Dominant, Autosomal Recessive and X-Linked Classification Criteria (2023). Collection method: clinical testing. Allele origin: unknown.
Comment: NM_003060.3(SLC22A5):c.498-1G>C is a variant in a canonical splice site classified as likely pathogenic in the context of primary carnitine deficiency. c.498-1G>C has not been observed in cases with relevant disease. Relevant functional assessments of this variant are not available in the literature. c.498-1G>C has been observed in referenced population frequency databases. In summary, NM_003060.3(SLC22A5):c.498-1G>C is a variant in a canonical splice site in a gene where loss of function is a known mechanism of disease and is predicted to disrupt protein function. Please note: this variant was assessed in the context of healthy population screening.

Labcorp Genetics (formerly Invitae), Labcorp
Classification: Likely pathogenic for Renal carnitine transport defect. Last evaluated: 2023-11-17. Review status: criteria provided, single submitter. Criteria: Invitae Variant Classification Sherloc (09022015). Collection method: clinical testing. Allele origin: germline.
Comment: This sequence change affects an acceptor splice site in intron 2 of the SLC22A5 gene. It is expected to disrupt RNA splicing. Variants that disrupt the donor or acceptor splice site typically lead to a loss of protein function (PMID: 16199547), and loss-of-function variants in SLC22A5 are known to be pathogenic (PMID: 9916797). This variant is present in population databases (rs747592919, gnomAD 0.007%). Disruption of this splice site has been observed in individual(s) with a positive newborn screening result for SLC22A5-related disease (PMID: 32371215). ClinVar contains an entry for this variant (Variation ID: 370409). Algorithms developed to predict the effect of sequence changes on RNA splicing suggest that this variant may disrupt the consensus splice site. In summary, the currently available evidence indicates that the variant is pathogenic, but additional data are needed to prove that conclusively. Therefore, this variant has been classified as Likely Pathogenic.

Counsyl
Classification: Likely pathogenic for Renal carnitine transport defect. Last evaluated: 2016-02-02. Review status: no assertion criteria provided. Collection method: clinical testing. Allele origin: unknown. Not counted in ClinVar's aggregate classification.

Literature cited by the submitters: PubMed 16199547 (cited by Labcorp Genetics (formerly Invitae), Labcorp); PubMed 9916797 (cited by Labcorp Genetics (formerly Invitae), Labcorp); PubMed 32371215 (cited by Labcorp Genetics (formerly Invitae), Labcorp).

NM_003060.4(SLC22A5):c.498-1G>C

Gene: SLC22A5 (solute carrier family 22 member 5; plus strand). Cytogenetic location: 5q31.1.
Variant type: single nucleotide variant.
Coding change: c.498-1G>C on transcript NM_003060.4 (MANE Select); the canonical splice acceptor site of the intron before coding-DNA position 498, G replaced by C.
Molecular consequence: splice acceptor variant.
Genome position (GRCh38, 1-based): chr5:132,384,146, G>C. VCF-style: chr5-132384146-G-C. GRCh37 (hg19) VCF-style: chr5-131719838-G-C.
Other names: c.570-1G>C (NM_001308122.2).
Identifiers: ClinVar variation 370409 (VCV000370409.7), dbSNP rs747592919, ClinGen allele CA3403912.